The following is an entry in ClinVar:

ClinVar aggregate classification (germline): Uncertain significance. Review status: criteria provided, multiple submitters, no conflicts (2 of 4 stars). 2 submissions from 2 submitters: Uncertain significance (2). Last evaluated 2025-05-18.

Conditions:
Inborn genetic diseases. Identifiers: MedGen C0950123, MeSH D030342.

Submissions (2):

GeneDx
Classification: Uncertain significance. Last evaluated: 2025-05-18. Review status: criteria provided, single submitter. Criteria: GeneDx Variant Classification Process June 2021. Collection method: clinical testing. Allele origin: germline. Affected: yes.
Comment: Not observed at significant frequency in large population cohorts (gnomAD); In silico analysis suggests that this missense variant does not alter protein structure/function; Has not been previously published as pathogenic or benign to our knowledge

Ambry Genetics
Classification: Uncertain significance for Inborn genetic diseases. Last evaluated: 2025-01-29. Review status: criteria provided, single submitter. Criteria: Ambry Variant Classification Scheme 2023. Collection method: clinical testing. Allele origin: germline.

NM_001256447.2(BCAP31):c.166A>G (p.Ile56Val)

Gene: BCAP31 (B cell receptor associated protein 31; minus strand). Cytogenetic location: Xq28.
Variant type: single nucleotide variant.
Coding change: c.166A>G on transcript NM_001256447.2 (MANE Select); coding-DNA position 166, A replaced by G.
Protein change: p.Ile56Val; replaces isoleucine 56 with valine.
Molecular consequence: missense variant.
Genome position (GRCh38, 1-based): chrX:153,720,899, T>C on the plus strand (A>G on the coding strand, the complement: BCAP31 is on the minus strand). VCF-style: chrX-153720899-T-C. GRCh37 (hg19) VCF-style: chrX-152986354-T-C.
Other names: c.166A>G, p.Ile56Val (NM_001139441.1, NM_005745.8); c.367A>G, p.Ile123Val (NM_001139457.2); short protein forms I123V, I56V.
Identifiers: ClinVar variation 3822647 (VCV003822647.2).